The following is an entry in ClinVar:

NM_203446.3(SYNJ1):c.*719CT[1]

Gene: SYNJ1 (synaptojanin 1; minus strand). Cytogenetic location: 21q22.11.
Variant type: Microsatellite.
Coding change: c.*719CT[1] on transcript NM_203446.3 (MANE Select); one copy of the 2-base unit CT starting at c.*719; the reference has two copies in a row; one copy, 2 bases deleted.
Molecular consequence: 3 prime UTR variant. On other transcripts: frameshift variant (2).
Genome position (GRCh38, 1-based): chr21:32,631,083-32,631,084, AG deleted on the plus strand (CT on the coding strand, the reverse complement: SYNJ1 is on the minus strand); deleting any 2 consecutive bases within chr21:32,631,083-32,631,086 gives the same sequence; the position shown is the placement nearest the transcript's 3' end. VCF-style (leftmost placement, unchanged base first): chr21-32631082-CAG-C. GRCh37 (hg19) VCF-style: chr21-34003392-CAG-C.
Other names: c.*719_*720CT[1] (NM_001160302.2); c.4492_4493del, p.Leu1498fs (NM_001160306.2); c.4748_4749CT[1], p.Leu1584Alafs (NM_003895.4); c.4750_4751delCT (NM_003895.3); short protein forms L1498fs, L1584fs.
Identifiers: ClinVar variation 955394 (VCV000955394.7), dbSNP rs1236484854, ClinGen allele CA512331370.

ClinVar aggregate classification (germline): Uncertain significance. Review status: criteria provided, multiple submitters, no conflicts (2 of 4 stars). 3 submissions from 3 submitters: Uncertain significance (3). Last evaluated 2023-09-27.

Conditions:
Inborn genetic diseases. Identifiers: MedGen C0950123, MeSH D030342.
Early-onset Parkinson disease 20. Also called: PARKINSON DISEASE 20, AUTOSOMAL RECESSIVE EARLY-ONSET. Identifiers: Orphanet 391411, MedGen C3809824, MONDO:0014233, OMIM 615530.
Developmental and epileptic encephalopathy, 53. Also called: Epileptic encephalopathy, early infantile, 53. Identifiers: MedGen C4479313, MONDO:0033362, OMIM 617389.

Submissions (3):

Ambry Genetics
Classification: Uncertain significance for Inborn genetic diseases. Last evaluated: 2023-09-27. Review status: criteria provided, single submitter. Criteria: Ambry Variant Classification Scheme 2023. Collection method: clinical testing. Allele origin: germline.
Comment: Not expected to trigger nonsense-mediated mRNA decay Based on insufficient or conflicting evidence, the clinical significance of this alteration remains unclear.

Labcorp Genetics (formerly Invitae), Labcorp
Classification: Uncertain significance for Developmental and epileptic encephalopathy, 53; Early-onset Parkinson disease 20. Last evaluated: 2022-02-03. Review status: criteria provided, single submitter. Criteria: Invitae Variant Classification Sherloc (09022015). Collection method: clinical testing. Allele origin: germline.
Comment: This sequence change creates a premature translational stop signal (p.Leu1584Alafs*18) in the SYNJ1 gene. While this is not anticipated to result in nonsense mediated decay, it is expected to disrupt the last 29 amino acid(s) of the SYNJ1 protein. This variant is present in population databases (no rsID available, gnomAD 0.007%). This variant has not been reported in the literature in individuals affected with SYNJ1-related conditions. ClinVar contains an entry for this variant (Variation ID: 955394). Experimental studies and prediction algorithms are not available or were not evaluated, and the functional significance of this variant is currently unknown. In summary, the available evidence is currently insufficient to determine the role of this variant in disease. Therefore, it has been classified as a Variant of Uncertain Significance.

Blueprint Genetics
Classification: Uncertain significance. Last evaluated: 2022-01-27. Review status: criteria provided, single submitter. Criteria: ACMG Guidelines, 2015. Collection method: clinical testing. Allele origin: germline.